The following is an entry in ClinVar:

NM_001244008.2(KIF1A):c.460G>A (p.Val154Ile)

Gene: KIF1A (kinesin family member 1A; minus strand). Cytogenetic location: 2q37.3.
Variant type: single nucleotide variant.
Coding change: c.460G>A on transcript NM_001244008.2 (MANE Select); coding-DNA position 460, G replaced by A.
Protein change: p.Val154Ile; replaces valine 154 with isoleucine.
Molecular consequence: missense variant.
Genome position (GRCh38, 1-based): chr2:240,786,483, C>T on the plus strand (G>A on the coding strand, the complement: KIF1A is on the minus strand). VCF-style: chr2-240786483-C-T. GRCh37 (hg19) VCF-style: chr2-241725900-C-T.
Other names: c.460G>A, p.Val154Ile (NM_001320705.2, NM_001330289.2, NM_001330290.2 and 21 more transcripts); short protein forms V154I.
Identifiers: ClinVar variation 1741878 (VCV001741878.2), dbSNP rs757821128, ClinGen allele CA351306903.
Genomic context (GRCh38, chr2:240,786,483, plus strand): 5'-GCAGTGGGTGCTCCCTCACGCGAAGGTTGCCCTTGTTCTTGGGGTTCAGGAGGTCACGGA[C>T]GCGCTCACAGTAAATCTCCATGTAGCTGACCTGCAGGGCAGAGCCAGGCCATCAGGGGCC-3'
Protein context (NP_001230937.1, residues 144-164): VSYMEIYCER[Val154Ile]RDLLNPKNKG

ClinVar aggregate classification (germline): Uncertain significance (1 of 4 stars; one submission).

Conditions:
Inborn genetic diseases. Identifiers: MedGen C0950123, MeSH D030342.

gnomAD v4.1: 2 of 1,613,486 alleles (0.00012%); highest among the groups gnomAD compares: Non-Finnish European, 0.00017%; no homozygotes.

Submission:

Ambry Genetics
Classification: Uncertain significance for Inborn genetic diseases. Last evaluated: 2020-09-15. Review status: criteria provided, single submitter. Criteria: Ambry Variant Classification Scheme 2023. Collection method: clinical testing. Allele origin: germline.
Comment: The p.V154I variant (also known as c.460G>A), located in coding exon 5 of the KIF1A gene, results from a G to A substitution at nucleotide position 460. The valine at codon 154 is replaced by isoleucine, an amino acid with highly similar properties. This amino acid position is highly conserved in available vertebrate species. In addition, the in silico prediction for this alteration is inconclusive. Since supporting evidence is limited at this time, the clinical significance of this alteration remains unclear.